The following is an entry in ClinVar:

NM_019555.3(ARHGEF3):c.198C>A (p.Thr66=)

Gene: ARHGEF3 (Rho guanine nucleotide exchange factor 3; minus strand). Cytogenetic location: 3p14.3.
Variant type: single nucleotide variant.
Coding change: c.198C>A on transcript NM_019555.3 (MANE Select); coding-DNA position 198, C replaced by A.
Protein change: p.Thr66=; no amino-acid change (threonine 66 retained).
Molecular consequence: synonymous variant.
Genome position (GRCh38, 1-based): chr3:56,773,715, G>T on the plus strand (C>A on the coding strand, the complement: ARHGEF3 is on the minus strand). VCF-style: chr3-56773715-G-T. GRCh37 (hg19) VCF-style: chr3-56807743-G-T.
Other names: c.294C>A, p.Thr98= (NM_001128615.2, NM_001377407.1); c.216C>A, p.Thr72= (NM_001128616.2, NM_001289698.2, NM_001377413.1); c.234C>A, p.Thr78= (NM_001377408.1, NM_001377409.1, NM_001377410.1); c.201C>A, p.Thr67= (NM_001377411.1, NM_001377412.1); c.198C>A, p.Thr66= (NM_001377414.1, NM_001377415.1).
Identifiers: ClinVar variation 2653908 (VCV002653908.24), dbSNP rs776873222, ClinGen allele CA434015992.
Genomic context (GRCh38, chr3:56,773,715, plus strand): 5'-CCTTCCCGTACACCATGATTTTCTGCAACCACAGGCCCTGTGTGCCCTTCTTACCTGCAG[G>T]GTTTGACTGAAGCGCTTTAATGGCGTGGCCTTCACGGGCGGGATGAGGTTTGCTAGCGAC-3'
Protein context (NP_062455.1, residues 56-76): KATPLKRFSQ[Thr66=]LQRSISFRSE

ClinVar aggregate classification (germline): Likely benign (1 of 4 stars; one submission).

Allele frequency attached by ClinVar (database versions not stated): gnomAD exomes below 0.00001.
gnomAD v4.1: 2 of 1,583,192 alleles (0.00013%); highest among the groups gnomAD compares: East Asian, 0.0023%; no homozygotes.

Submission:

CeGaT Center for Human Genetics Tuebingen
Classification: Likely benign. Last evaluated: 2022-09-01. Review status: criteria provided, single submitter. Criteria: CeGaT Center For Human Genetics Tuebingen Variant Classification Criteria Version 2. Collection method: clinical testing. Allele origin: germline. Affected: yes. Observed: 1 variant allele.
Comment: ARHGEF3: PM2:Supporting, BP4, BP7